The following is an entry in ClinVar:

NM_000066.4(C8B):c.1441del (p.Tyr481fs)

Gene: C8B (complement C8 beta chain; minus strand). Cytogenetic location: 1p32.2.
Variant type: Deletion.
Coding change: c.1441del on transcript NM_000066.4 (MANE Select); coding-DNA position 1441, one base deleted (T; older notation c.1441delT).
Protein change: p.Tyr481fs; shifts the reading frame from tyrosine 481.
Molecular consequence: frameshift variant.
Genome position (GRCh38, 1-based): chr1:56,933,446, A deleted on the plus strand (T on the coding strand, the reverse complement: C8B is on the minus strand). VCF-style (leftmost placement, unchanged base first): chr1-56933445-TA-T. GRCh37 (hg19) VCF-style: chr1-57399118-TA-T.
Other names: c.1285del, p.Tyr429fs (NM_001278543.2); c.1255del, p.Tyr419fs (NM_001278544.2); short protein forms Y419fs, Y429fs, Y481fs.
Identifiers: ClinVar variation 2955240 (VCV002955240.3), dbSNP rs752754320, ClinGen allele CA875630.
Genomic context (GRCh38, chr1:56,933,445, plus strand): 5'-CTAACTTCCTTCTGGAACTCCTCCAGTGCCTGCTTCATGTTCTGCCTCACTGTGCTGGAA[TA>T]GGCAAAATCTGTGGCTGTCACTAGTTCATACAGAGGCTCCACCTGGAAAGGGAAAAGGGC-3'

ClinVar aggregate classification (germline): Pathogenic (1 of 4 stars; one submission).

Allele frequency attached by ClinVar (database versions not stated): gnomAD exomes below 0.00001 and 0.00001; ExAC 0.00002; ESP Exome Variant Server 0.00008; TOPMed 0.00010; gnomAD 0.00011.

Submission:

Labcorp Genetics (formerly Invitae), Labcorp
Classification: Pathogenic. Last evaluated: 2023-05-01. Review status: criteria provided, single submitter. Criteria: Invitae Variant Classification Sherloc (09022015). Collection method: clinical testing. Allele origin: germline.
Comment: This variant has not been reported in the literature in individuals affected with C8B-related conditions. For these reasons, this variant has been classified as Pathogenic. This variant is present in population databases (rs752754320, gnomAD 0.03%). This sequence change creates a premature translational stop signal (p.Tyr481Ilefs*5) in the C8B gene. It is expected to result in an absent or disrupted protein product. Loss-of-function variants in C8B are known to be pathogenic (PMID: 7594510).

Literature cited by the submitters: PubMed 7594510.